The following is an entry in ClinVar:

NM_001372574.1(ATXN2):c.2849C>T (p.Pro950Leu)

Gene: ATXN2 (ataxin 2; minus strand). Cytogenetic location: 12q24.12.
Variant type: single nucleotide variant.
Coding change: c.2849C>T on transcript NM_001372574.1 (MANE Select); coding-DNA position 2849, C replaced by T.
Protein change: p.Pro950Leu; replaces proline 950 with leucine.
Molecular consequence: missense variant. On other transcripts: non-coding transcript variant (1), intron variant (1).
Genome position (GRCh38, 1-based): chr12:111,464,709, G>A on the plus strand (C>T on the coding strand, the complement: ATXN2 is on the minus strand). VCF-style: chr12-111464709-G-A. GRCh37 (hg19) VCF-style: chr12-111902513-G-A.
Other names: c.2528C>T, p.Pro843Leu (NM_001310121.1); c.2843C>T, p.Pro948Leu (NM_002973.4); c.2449+5399C>T (NM_001310123.1); short protein forms P843L, P948L, P950L.
Identifiers: ClinVar variation 2643318 (VCV002643318.24), dbSNP rs2500335440, ClinGen allele CA386718255.

ClinVar aggregate classification (germline): Uncertain significance (1 of 4 stars; one submission).

Submission:

CeGaT Center for Human Genetics Tuebingen
Classification: Uncertain significance. Last evaluated: 2023-08-01. Review status: criteria provided, single submitter. Criteria: CeGaT Center For Human Genetics Tuebingen Variant Classification Criteria Version 2. Collection method: clinical testing. Allele origin: germline. Affected: yes. Observed: 1 variant allele.
Comment: ATXN2: PM2